The following is an entry in ClinVar:

NM_005120.3(MED12):c.1612G>T (p.Ala538Ser)

Genes: MED12 (mediator complex subunit 12; plus strand), LOC126863275 (BRD4-independent group 4 enhancer GRCh37_chrX:70342400-70343599; plus strand). Cytogenetic location: Xq13.1.
Variant type: single nucleotide variant.
Coding change: c.1612G>T on transcript NM_005120.3 (MANE Select); coding-DNA position 1612, G replaced by T.
Protein change: p.Ala538Ser; replaces alanine 538 with serine.
Molecular consequence: missense variant.
Genome position (GRCh38, 1-based): chrX:71,123,221, G>T. VCF-style: chrX-71123221-G-T. GRCh37 (hg19) VCF-style: chrX-70343071-G-T.
Other names: short protein forms A538S.
Identifiers: ClinVar variation 2782963 (VCV002782963.3), dbSNP rs2147786567, ClinGen allele CA413507803.

ClinVar aggregate classification (germline): Uncertain significance (1 of 4 stars; one submission).

Conditions:
FG syndrome (FGS). Identifiers: MedGen C0220769, MONDO:0002010.

Submission:

Labcorp Genetics (formerly Invitae), Labcorp
Classification: Uncertain significance for FG syndrome. Last evaluated: 2022-10-27. Review status: criteria provided, single submitter. Criteria: Invitae Variant Classification Sherloc (09022015). Collection method: clinical testing. Allele origin: germline.
Comment: This sequence change replaces alanine, which is neutral and non-polar, with serine, which is neutral and polar, at codon 538 of the MED12 protein (p.Ala538Ser). In summary, the available evidence is currently insufficient to determine the role of this variant in disease. Therefore, it has been classified as a Variant of Uncertain Significance. Advanced modeling of protein sequence and biophysical properties (such as structural, functional, and spatial information, amino acid conservation, physicochemical variation, residue mobility, and thermodynamic stability) performed at Invitae indicates that this missense variant is not expected to disrupt MED12 protein function. This variant has not been reported in the literature in individuals affected with MED12-related conditions. This variant is not present in population databases (gnomAD no frequency).